The following is an entry in ClinVar:

NM_020754.4(ARHGAP31):c.1249C>G (p.Arg417Gly)

Gene: ARHGAP31 (Rho GTPase activating protein 31; plus strand). Cytogenetic location: 3q13.33.
Variant type: single nucleotide variant.
Coding change: c.1249C>G on transcript NM_020754.4 (MANE Select); coding-DNA position 1249, C replaced by G.
Protein change: p.Arg417Gly; replaces arginine 417 with glycine.
Molecular consequence: missense variant.
Genome position (GRCh38, 1-based): chr3:119,402,001, C>G. VCF-style: chr3-119402001-C-G. GRCh37 (hg19) VCF-style: chr3-119120848-C-G.
Other names: c.1249C>G (NM_020754.2); short protein forms R417G.
Identifiers: ClinVar variation 1349525 (VCV001349525.9), dbSNP rs201291375, ClinGen allele CA2553784.

ClinVar aggregate classification (germline): Conflicting classifications of pathogenicity. Review status: criteria provided, conflicting classifications (1 of 4 stars). 4 submissions from 4 submitters: Uncertain significance (1); Likely benign (3). Last evaluated 2025-10-01.

Conditions:
Inborn genetic diseases. Identifiers: MedGen C0950123, MeSH D030342.

Allele frequency attached by ClinVar (database versions not stated): gnomAD 0.00004 and 0.00005; TOPMed 0.00004; ExAC 0.00006; gnomAD exomes 0.00006; ESP Exome Variant Server 0.00008; 1000 Genomes Project 0.00020; 1000 Genomes Project 30x 0.00031.
gnomAD v4.1: 110 of 1,614,138 alleles (0.0068%); highest among the groups gnomAD compares: Middle Eastern, 0.016%; no homozygotes.

Submissions (4):

Labcorp Genetics (formerly Invitae), Labcorp
Classification: Uncertain significance. Last evaluated: 2025-10-01. Review status: criteria provided, single submitter. Criteria: Invitae Variant Classification Sherloc (09022015). Collection method: clinical testing. Allele origin: germline.
Comment: This sequence change replaces arginine, which is basic and polar, with glycine, which is neutral and non-polar, at codon 417 of the ARHGAP31 protein (p.Arg417Gly). This variant is present in population databases (rs201291375, gnomAD 0.01%). This variant has not been reported in the literature in individuals affected with ARHGAP31-related conditions. ClinVar contains an entry for this variant (Variation ID: 1349525). An algorithm developed to predict the effect of missense changes on protein structure and function (PolyPhen-2) suggests that this variant is likely to be tolerated. In summary, the available evidence is currently insufficient to determine the role of this variant in disease. Therefore, it has been classified as a Variant of Uncertain Significance.

Laboratory of Genetics, Children's Clinical University Hospital Latvia
Classification: Likely benign. Last evaluated: 2025-02-16. Review status: criteria provided, single submitter. Criteria: ACMG Guidelines, 2015. Collection method: clinical testing. Allele origin: germline. Affected: yes.

Ambry Genetics
Classification: Likely benign for Inborn genetic diseases. Last evaluated: 2024-09-09. Review status: criteria provided, single submitter. Criteria: Ambry Variant Classification Scheme 2023. Collection method: clinical testing. Allele origin: germline.

Blueprint Genetics
Classification: Likely benign. Last evaluated: 2024-05-31. Review status: criteria provided, single submitter. Criteria: ACMG Guidelines, 2015. Collection method: clinical testing. Allele origin: germline.